The following is an entry in ClinVar:

NM_006493.4(CLN5):c.627T>G (p.Tyr209Ter)

Gene: CLN5 (CLN5 lysosomal BMP synthase; plus strand). Cytogenetic location: 13q22.3.
Variant type: single nucleotide variant.
Coding change: c.627T>G on transcript NM_006493.4 (MANE Select); coding-DNA position 627, T replaced by G.
Protein change: p.Tyr209Ter; replaces tyrosine 209 with a stop codon.
Molecular consequence: nonsense. On other transcripts: 3 prime UTR variant (1).
Genome position (GRCh38, 1-based): chr13:77,000,519, T>G. VCF-style: chr13-77000519-T-G. GRCh37 (hg19) VCF-style: chr13-77574654-T-G.
Other names: c.*76T>G (NM_001366624.2); short protein forms Y209*.
Identifiers: ClinVar variation 1420350 (VCV001420350.8), dbSNP rs763980789, ClinGen allele CA388311504.

ClinVar aggregate classification (germline): Pathogenic (1 of 4 stars; one submission).

Conditions:
Neuronal ceroid lipofuscinosis. Also called: Neuronal Ceroid Lipofuscinoses. Identifiers: Orphanet 216, Orphanet 79263, MedGen C0027877, MONDO:0016295. Disease mechanism: loss of function.

Submission:

Labcorp Genetics (formerly Invitae), Labcorp
Classification: Pathogenic for Neuronal ceroid lipofuscinosis. Last evaluated: 2023-07-10. Review status: criteria provided, single submitter. Criteria: Invitae Variant Classification Sherloc (09022015). Collection method: clinical testing. Allele origin: germline.
Comment: For these reasons, this variant has been classified as Pathogenic. This variant disrupts a region of the CLN5 protein in which other variant(s) (p.Tyr392*) have been determined to be pathogenic (PMID: 9662406; Invitae). This suggests that this is a clinically significant region of the protein, and that variants that disrupt it are likely to be disease-causing. ClinVar contains an entry for this variant (Variation ID: 1420350). This variant has not been reported in the literature in individuals affected with CLN5-related conditions. This variant is not present in population databases (gnomAD no frequency). This sequence change creates a premature translational stop signal (p.Tyr258*) in the CLN5 gene. While this is not anticipated to result in nonsense mediated decay, it is expected to disrupt the last 150 amino acid(s) of the CLN5 protein.

Literature cited by the submitters: PubMed 9662406.